The following is an entry in ClinVar:

NM_004370.6(COL12A1):c.8100+5G>T

Gene: COL12A1 (collagen type XII alpha 1 chain; minus strand). Cytogenetic location: 6q13.
Variant type: single nucleotide variant.
Coding change: c.8100+5G>T on transcript NM_004370.6 (MANE Select); 5 bases into the intron after coding-DNA position 8100, G replaced by T.
Molecular consequence: intron variant.
Genome position (GRCh38, 1-based): chr6:75,109,013, C>A on the plus strand (G>T on the coding strand, the complement: COL12A1 is on the minus strand). VCF-style: chr6-75109013-C-A. GRCh37 (hg19) VCF-style: chr6-75818729-C-A.
Other names: c.4608+5G>T (NM_080645.3).
Identifiers: ClinVar variation 1902822 (VCV001902822.5), dbSNP rs2533143554, ClinGen allele CA2580075801.

ClinVar aggregate classification (germline): Uncertain significance (1 of 4 stars; one submission).

Conditions:
Ullrich congenital muscular dystrophy 2 (UCMD2). Identifiers: Orphanet 75840, MedGen C4225314, MONDO:0014654, OMIM 616470.
Bethlem myopathy 2 (BTHLM2). Identifiers: Orphanet 536516, Orphanet 610, MedGen C4225313, MONDO:0034022, OMIM 616471.

Submission:

Labcorp Genetics (formerly Invitae), Labcorp
Classification: Uncertain significance for Bethlem myopathy 2; Ullrich congenital muscular dystrophy 2. Last evaluated: 2022-01-07. Review status: criteria provided, single submitter. Criteria: Invitae Variant Classification Sherloc (09022015). Collection method: clinical testing. Allele origin: germline.
Comment: In summary, the available evidence is currently insufficient to determine the role of this variant in disease. Therefore, it has been classified as a Variant of Uncertain Significance. Variants that disrupt the consensus splice site are a relatively common cause of aberrant splicing (PMID: 17576681, 9536098). Algorithms developed to predict the effect of sequence changes on RNA splicing suggest that this variant may disrupt the consensus splice site. This variant has not been reported in the literature in individuals affected with COL12A1-related conditions. This variant is not present in population databases (gnomAD no frequency). This sequence change falls in intron 52 of the COL12A1 gene. It does not directly change the encoded amino acid sequence of the COL12A1 protein. It affects a nucleotide within the consensus splice site.

Literature cited by the submitters: PubMed 17576681; PubMed 9536098.